The following is an entry in ClinVar:

ClinVar aggregate classification (germline): Pathogenic. Review status: criteria provided, multiple submitters, no conflicts (2 of 4 stars). 4 submissions from 4 submitters: Pathogenic (4). Last evaluated 2025-11-07.

Conditions:
Episodic ataxia type 2 (EA2). Also called: ATAXIA, EPISODIC, WITH NYSTAGMUS; ATAXIA, FAMILIAL PAROXYSMAL; CEREBELLAR ATAXIA, PAROXYSMAL, ACETAZOLAMIDE-RESPONSIVE; CEREBELLOPATHY, HEREDITARY PAROXYSMAL; EPISODIC ATAXIA, NYSTAGMUS-ASSOCIATED; ACETAZOLAMIDE-RESPONSIVE HEREDITARY PAROXYSMAL CEREBELLAR ATAXIA. Identifiers: Orphanet 97, MedGen C1720416, MONDO:0007163, OMIM 108500.
Developmental and epileptic encephalopathy, 42 (DEE42A). Also called: DEVELOPMENTAL AND EPILEPTIC ENCEPHALOPATHY 42A; Epileptic encephalopathy, early infantile, 42; EPILEPTIC ENCEPHALOPATHY, EARLY INFANTILE, 42A. Identifiers: MedGen C4310716, MONDO:0014917, OMIM 617106.
CACNA1A-related disorder. Also called: CACNA1A-related condition.

Allele frequency attached by ClinVar (database versions not stated): TOPMed below 0.00001.

Submissions (4):

GeneDx
Classification: Pathogenic. Last evaluated: 2025-11-07. Review status: criteria provided, single submitter. Criteria: GeneDx Variant Classification Process June 2021. Collection method: clinical testing. Allele origin: germline. Affected: yes.
Comment: Nonsense variant predicted to result in protein truncation or nonsense mediated decay in a gene for which loss of function is a known mechanism of disease; Not observed at significant frequency in large population cohorts (gnomAD); This variant is associated with the following publications: (PMID: 23183922, 38699371, 10371528, 27250579, 25735478, 19486177, 37422902, 21734179)

PreventionGenetics, part of Exact Sciences
Classification: Pathogenic for CACNA1A-related condition. Last evaluated: 2025-06-09. Review status: criteria provided, single submitter. Criteria: ACMG Guidelines, 2015. Collection method: clinical testing. Allele origin: germline.
Comment: The CACNA1A c.1360C>T variant is predicted to result in premature protein termination (p.Arg454*). This variant, also known as c.1363C>T (p.Arg455*) using alternate nomenclature, has been reported in an individual with episodic ataxia (Claassen et al. 2012. PubMed ID: 23183922). This variant has not been reported in a large population database (gnomAD), indicating this variant is rare. Nonsense variants in CACNA1A are expected to be pathogenic. This variant is interpreted as pathogenic.

Labcorp Genetics (formerly Invitae), Labcorp
Classification: Pathogenic for Developmental and epileptic encephalopathy, 42; Episodic ataxia type 2. Last evaluated: 2024-10-23. Review status: criteria provided, single submitter. Criteria: Invitae Variant Classification Sherloc (09022015). Collection method: clinical testing. Allele origin: germline.
Comment: This sequence change creates a premature translational stop signal (p.Arg455*) in the CACNA1A gene. It is expected to result in an absent or disrupted protein product. Loss-of-function variants in CACNA1A are known to be pathogenic (PMID: 10371528, 19486177, 25735478, 27250579). This variant is not present in population databases (gnomAD no frequency). This premature translational stop signal has been observed in individual(s) with episodic ataxia (PMID: 23183922). ClinVar contains an entry for this variant (Variation ID: 265613). For these reasons, this variant has been classified as Pathogenic.

Athena Diagnostics
Classification: Pathogenic. Last evaluated: 2017-10-26. Review status: criteria provided, single submitter. Criteria: Athena Diagnostics Criteria. Collection method: clinical testing. Allele origin: germline.

Literature cited by the submitters: PubMed 10371528 (cited by Labcorp Genetics (formerly Invitae), Labcorp); PubMed 19486177 (cited by Labcorp Genetics (formerly Invitae), Labcorp); PubMed 25735478 (cited by Labcorp Genetics (formerly Invitae), Labcorp); PubMed 27250579 (cited by Labcorp Genetics (formerly Invitae), Labcorp); PubMed 23183922 (cited by Labcorp Genetics (formerly Invitae), Labcorp and Athena Diagnostics); PubMed 21734179 (cited by Athena Diagnostics).

NM_001127222.2(CACNA1A):c.1360C>T (p.Arg454Ter)

Gene: CACNA1A (calcium voltage-gated channel subunit alpha1 A; minus strand). Cytogenetic location: 19p13.13.
Variant type: single nucleotide variant.
Coding change: c.1360C>T on transcript NM_001127222.2 (MANE Select); coding-DNA position 1360, C replaced by T.
Protein change: p.Arg454Ter; replaces arginine 454 with a stop codon.
Molecular consequence: nonsense.
Genome position (GRCh38, 1-based): chr19:13,317,307, G>A on the plus strand (C>T on the coding strand, the complement: CACNA1A is on the minus strand). VCF-style: chr19-13317307-G-A. GRCh37 (hg19) VCF-style: chr19-13428121-G-A.
Other names: c.1363C>T, p.Arg455Ter (NM_000068.4, NM_001127221.2, NM_001174080.2 and 1 more transcripts); c.1360C>T (NM_001127222.1); short protein forms R455*, R454*.
Identifiers: ClinVar variation 265613 (VCV000265613.16), dbSNP rs886039668, ClinGen allele CA10588685.